The following is an entry in ClinVar:

ClinVar aggregate classification (germline): Conflicting classifications of pathogenicity. Review status: criteria provided, conflicting classifications (1 of 4 stars). 5 submissions from 5 submitters: Uncertain significance (1); Benign (1); Likely benign (1). 2 of the submissions do not count toward it. Last evaluated 2026-01-19.

Conditions:
USH1C-related disorder. Also called: USH1C-related condition.
Usher syndrome type 1C. Also called: USHER SYNDROME, TYPE I, ACADIAN VARIETY. Identifiers: Orphanet 231169, Orphanet 886, MedGen C1848604, MONDO:0010171, OMIM 276904.

Allele frequency attached by ClinVar (database versions not stated): gnomAD exomes 0.00003; 1000 Genomes Project 30x 0.00016; 1000 Genomes Project 0.00020; ExAC 0.00024; gnomAD 0.00053 and 0.00060; TOPMed 0.00060; ESP Exome Variant Server 0.00069.
gnomAD v4.1: 136 of 1,614,116 alleles (0.0084%); highest among the groups gnomAD compares: African/African-American, 0.15%; no homozygotes.

Submissions (6):

Labcorp Genetics (formerly Invitae), Labcorp
Classification: Benign. Last evaluated: 2026-01-19. Review status: criteria provided, single submitter. Criteria: Invitae Variant Classification Sherloc (09022015). Collection method: clinical testing. Allele origin: germline.

Blueprint Genetics
Classification: Likely benign. Last evaluated: 2024-06-18. Review status: criteria provided, single submitter. Criteria: ACMG Guidelines, 2015. Collection method: clinical testing. Allele origin: germline.

Eurofins Ntd Llc (ga)
Classification: Uncertain significance. Last evaluated: 2017-02-21. Review status: criteria provided, single submitter. Criteria: EGL Classification Definitions 2015. Collection method: clinical testing. Allele origin: germline. Observed: 1 variant allele, 1 heterozygote.

Natera, Inc.
Classification: Uncertain significance for Usher syndrome type 1C. Last evaluated: 2020-01-24. Review status: no assertion criteria provided. Collection method: clinical testing. Allele origin: germline. Not counted in ClinVar's aggregate classification.

PreventionGenetics, part of Exact Sciences
Classification: Likely benign for USH1C-related condition. Last evaluated: 2019-08-28. Review status: no assertion criteria provided. Collection method: clinical testing. Allele origin: germline. Not counted in ClinVar's aggregate classification.
Comment: This variant is classified as likely benign based on ACMG/AMP sequence variant interpretation guidelines (Richards et al. 2015 PMID: 25741868, with internal and published modifications).

Dr. Peter K. Rogan Lab, Western University
No classification provided (evidence only). Condition: Gastric cancer. Review status: no classification provided. Collection method: in vitro. Allele origin: not applicable. Functional consequence: retained intron. Not counted in ClinVar's aggregate classification.

NM_153676.4(USH1C):c.360C>T (p.Gly120=)

Gene: USH1C (USH1 protein network component harmonin; minus strand). Cytogenetic location: 11p15.1.
Variant type: single nucleotide variant.
Coding change: c.360C>T on transcript NM_153676.4 (MANE Select); coding-DNA position 360, C replaced by T.
Protein change: p.Gly120=; no amino-acid change (glycine 120 retained).
Molecular consequence: synonymous variant. On other transcripts: non-coding transcript variant (1).
Genome position (GRCh38, 1-based): chr11:17,531,181, G>A on the plus strand (C>T on the coding strand, the complement: USH1C is on the minus strand). VCF-style: chr11-17531181-G-A. GRCh37 (hg19) VCF-style: chr11-17552728-G-A.
Other names: c.360C>T (NM_153676.3); c.360C>T, p.Gly120= (NM_001297764.2, NM_005709.4).
Identifiers: ClinVar variation 500295 (VCV000500295.21), dbSNP rs140869579, ClinGen allele CA5905091.